The following is an entry in ClinVar:

ClinVar aggregate classification (germline): Uncertain significance. Review status: criteria provided, multiple submitters, no conflicts (2 of 4 stars). 2 submissions from 2 submitters: Uncertain significance (2). Last evaluated 2025-05-18.

Allele frequency attached by ClinVar (database versions not stated): TOPMed 0.00024; gnomAD exomes below 0.00001; gnomAD 0.00007.
gnomAD v4.1: 21 of 1,612,158 alleles (0.0013%); highest among the groups gnomAD compares: Admixed American, 0.023%; no homozygotes.

Submissions (2):

Labcorp Genetics (formerly Invitae), Labcorp
Classification: Uncertain significance. Last evaluated: 2025-05-18. Review status: criteria provided, single submitter. Criteria: Invitae Variant Classification Sherloc (09022015). Collection method: clinical testing. Allele origin: germline.
Comment: This sequence change replaces glycine, which is neutral and non-polar, with arginine, which is basic and polar, at codon 35 of the RPL31 protein (p.Gly35Arg). This variant is not present in population databases (gnomAD no frequency). This variant has not been reported in the literature in individuals affected with RPL31-related conditions. ClinVar contains an entry for this variant (Variation ID: 1974635). An algorithm developed to predict the effect of missense changes on protein structure and function (PolyPhen-2) suggests that this variant is likely to be disruptive. In summary, the available evidence is currently insufficient to determine the role of this variant in disease. Therefore, it has been classified as a Variant of Uncertain Significance.

Ambry Genetics
Classification: Uncertain significance. Last evaluated: 2024-01-03. Review status: criteria provided, single submitter. Criteria: Ambry Variant Classification Scheme 2023. Collection method: clinical testing. Allele origin: germline.

NM_000993.5(RPL31):c.103G>A (p.Gly35Arg)

Gene: RPL31 (ribosomal protein L31; plus strand). Cytogenetic location: 2q11.2.
Variant type: single nucleotide variant.
Coding change: c.103G>A on transcript NM_000993.5 (MANE Select); coding-DNA position 103, G replaced by A.
Protein change: p.Gly35Arg; replaces glycine 35 with arginine.
Molecular consequence: missense variant.
Genome position (GRCh38, 1-based): chr2:101,002,804, G>A. VCF-style: chr2-101002804-G-A. GRCh37 (hg19) VCF-style: chr2-101619266-G-A.
Other names: c.103G>A, p.Gly35Arg (NM_001098577.3, NM_001098578.1, NM_001099693.2); c.103G>A (NM_001098577.2); short protein forms G35R.
Identifiers: ClinVar variation 1974635 (VCV001974635.6), dbSNP rs975849328, ClinGen allele CA52794082.